The following is an entry in ClinVar:

NM_002180.3(IGHMBP2):c.450-72G>T

Gene: IGHMBP2 (immunoglobulin mu DNA binding protein 2; plus strand). Cytogenetic location: 11q13.3.
Variant type: single nucleotide variant.
Coding change: c.450-72G>T on transcript NM_002180.3 (MANE Select); 72 bases into the intron before coding-DNA position 450, G replaced by T.
Molecular consequence: intron variant.
Genome position (GRCh38, 1-based): chr11:68,908,462, G>T. VCF-style: chr11-68908462-G-T. GRCh37 (hg19) VCF-style: chr11-68675930-G-T.
Identifiers: ClinVar variation 681864 (VCV000681864.2), dbSNP rs10896378, ClinGen allele CA13420574.
Genomic context (GRCh38, chr11:68,908,462, plus strand): 5'-ATGCCTGTCGCACAAAAGAGAGCAACAAGTCATGGTGTGGGTGTGGCCCTCATGGGAGTT[G>T]GTGGCAGCATTGGGGCAGAGGCTCGGGCACTGAATTGCAGGTGTTCTAATTTTAGTTTTC-3'

ClinVar aggregate classification (germline): Benign. Review status: criteria provided, multiple submitters, no conflicts (2 of 4 stars). 2 submissions from 2 submitters: Benign (2). Last evaluated 2018-06-14.

Allele frequency attached by ClinVar (database versions not stated): 1000 Genomes Project 30x 0.09775; 1000 Genomes Project 0.09784; gnomAD 0.16703 and 0.17151; TOPMed 0.17327; gnomAD exomes 0.22067.
gnomAD v4.1: 312,370 of 1,454,184 alleles (21%); highest among the groups gnomAD compares: Non-Finnish European, 25%; 37,649 homozygotes.

Submissions (2):

GeneDx
Classification: Benign. Last evaluated: 2018-06-14. Review status: criteria provided, single submitter. Criteria: GeneDx Variant Classification (06012015). Collection method: clinical testing. Allele origin: germline. Affected: yes.
Comment: This variant is considered likely benign or benign based on one or more of the following criteria: it is a conservative change, it occurs at a poorly conserved position in the protein, it is predicted to be benign by multiple in silico algorithms, and/or has population frequency not consistent with disease.

Breakthrough Genomics
Classification: Benign. Review status: criteria provided, single submitter. Criteria: ACMG Guidelines, 2015. Collection method: not provided. Allele origin: germline. Inheritance: Autosomal recessive inheritance. Affected: yes.